The following is an entry in ClinVar:

NM_203446.3(SYNJ1):c.592C>A (p.Gln198Lys)

Gene: SYNJ1 (synaptojanin 1; minus strand). Cytogenetic location: 21q22.11.
Variant type: single nucleotide variant.
Coding change: c.592C>A on transcript NM_203446.3 (MANE Select); coding-DNA position 592, C replaced by A.
Protein change: p.Gln198Lys; replaces glutamine 198 with lysine.
Molecular consequence: missense variant.
Genome position (GRCh38, 1-based): chr21:32,695,170, G>T on the plus strand (C>A on the coding strand, the complement: SYNJ1 is on the minus strand). VCF-style: chr21-32695170-G-T. GRCh37 (hg19) VCF-style: chr21-34067480-G-T.
Other names: c.592C>A, p.Gln198Lys (NM_001160302.2, NM_001160306.2); c.709C>A, p.Gln237Lys (NM_003895.4); short protein forms Q237K, Q198K.
Identifiers: ClinVar variation 940408 (VCV000940408.5), dbSNP rs771210989, ClinGen allele CA10004104.

ClinVar aggregate classification (germline): Uncertain significance (1 of 4 stars; one submission).

Conditions:
Early-onset Parkinson disease 20. Also called: PARKINSON DISEASE 20, AUTOSOMAL RECESSIVE EARLY-ONSET. Identifiers: Orphanet 391411, MedGen C3809824, MONDO:0014233, OMIM 615530.
Developmental and epileptic encephalopathy, 53. Also called: Epileptic encephalopathy, early infantile, 53. Identifiers: MedGen C4479313, MONDO:0033362, OMIM 617389.

Allele frequency attached by ClinVar (database versions not stated): gnomAD exomes below 0.00001; ExAC 0.00001; gnomAD 0.00001; TOPMed 0.00001.
gnomAD v4.1: 2 of 1,614,016 alleles (0.00012%); highest among the groups gnomAD compares: Non-Finnish European, 0.00017%; no homozygotes.

Submission:

Labcorp Genetics (formerly Invitae), Labcorp
Classification: Uncertain significance for Developmental and epileptic encephalopathy, 53; Early-onset Parkinson disease 20. Last evaluated: 2022-07-12. Review status: criteria provided, single submitter. Criteria: Invitae Variant Classification Sherloc (09022015). Collection method: clinical testing. Allele origin: germline.
Comment: This sequence change replaces glutamine, which is neutral and polar, with lysine, which is basic and polar, at codon 237 of the SYNJ1 protein (p.Gln237Lys). This variant is present in population databases (rs771210989, gnomAD 0.0009%). This variant has not been reported in the literature in individuals affected with SYNJ1-related conditions. ClinVar contains an entry for this variant (Variation ID: 940408). Algorithms developed to predict the effect of missense changes on protein structure and function (SIFT, PolyPhen-2, Align-GVGD) all suggest that this variant is likely to be tolerated. In summary, the available evidence is currently insufficient to determine the role of this variant in disease. Therefore, it has been classified as a Variant of Uncertain Significance.